The following is an entry in ClinVar:

ClinVar aggregate classification (germline): Uncertain significance. Review status: criteria provided, multiple submitters, no conflicts (2 of 4 stars). 3 submissions from 3 submitters: Uncertain significance (3). Last evaluated 2024-07-10.

Conditions:
Hereditary cancer-predisposing syndrome. Also called: Tumor predisposition; Hereditary neoplastic syndrome; Hereditary Cancer Syndrome; Neoplastic Syndromes, Hereditary. Identifiers: Orphanet 140162, MedGen C0027672, MeSH D009386, MONDO:0015356.

gnomAD v4.1: 1 of 1,609,938 alleles (0.000062%); highest among the groups gnomAD compares: South Asian, 0.0011%; no homozygotes.

Submissions (3):

Ambry Genetics
Classification: Uncertain significance for Hereditary cancer-predisposing syndrome. Last evaluated: 2024-07-10. Review status: criteria provided, single submitter. Criteria: Ambry Variant Classification Scheme 2023. Collection method: clinical testing. Allele origin: germline.
Comment: The p.A300E variant (also known as c.899C>A), located in coding exon 8 of the PMS2 gene, results from a C to A substitution at nucleotide position 899. The alanine at codon 300 is replaced by glutamic acid, an amino acid with dissimilar properties. This amino acid position is not well conserved in available vertebrate species. In addition, the in silico prediction for this alteration is inconclusive. Based on the available evidence, the clinical significance of this variant remains unclear.

GeneDx
Classification: Uncertain significance. Last evaluated: 2022-09-23. Review status: criteria provided, single submitter. Criteria: GeneDx Variant Classification Process June 2021. Collection method: clinical testing. Allele origin: germline. Affected: yes.
Comment: Not observed at significant frequency in large population cohorts (gnomAD); In silico analysis supports that this missense variant does not alter protein structure/function; Has not been previously published as pathogenic or benign to our knowledge; This variant is associated with the following publications: (PMID: 11574484)

Color Diagnostics, LLC DBA Color Health
Classification: Uncertain significance for Hereditary cancer-predisposing syndrome. Last evaluated: 2020-06-29. Review status: criteria provided, single submitter. Criteria: ACMG Guidelines, 2015. Collection method: clinical testing. Allele origin: germline.
Comment: This missense variant replaces alanine with glutamic acid at codon 300 of the PMS2 protein. Computational prediction suggests that this variant may not impact protein structure and function (internally defined REVEL score threshold <= 0.5, PMID: 27666373). To our knowledge, functional studies have not been reported for this variant. This variant has not been reported in individuals affected with hereditary cancer in the literature. This variant has not been identified in the general population by the Genome Aggregation Database (gnomAD). The available evidence is insufficient to determine the role of this variant in disease conclusively. Therefore, this variant is classified as a Variant of Uncertain Significance.

NM_000535.7(PMS2):c.899C>A (p.Ala300Glu)

Gene: PMS2 (PMS1 homolog 2, mismatch repair system component; minus strand). Cytogenetic location: 7p22.1.
Variant type: single nucleotide variant.
Coding change: c.899C>A on transcript NM_000535.7 (MANE Select); coding-DNA position 899, C replaced by A.
Protein change: p.Ala300Glu; replaces alanine 300 with glutamic acid.
Molecular consequence: missense variant. On other transcripts: 5 prime UTR variant (2), non-coding transcript variant (1).
Genome position (GRCh38, 1-based): chr7:5,995,538, G>T on the plus strand (C>A on the coding strand, the complement: PMS2 is on the minus strand). VCF-style: chr7-5995538-G-T. GRCh37 (hg19) VCF-style: chr7-6035169-G-T.
Other names: c.494C>A, p.Ala165Glu (NM_001322003.2, NM_001322004.2, NM_001322005.2 and 2 more transcripts); c.899C>A, p.Ala300Glu (NM_001322006.2, NM_001322014.2); c.581C>A, p.Ala194Glu (NM_001322007.2, NM_001322008.2); c.-35C>A (NM_001322011.2, NM_001322012.2); c.326C>A, p.Ala109Glu (NM_001322013.2); c.590C>A, p.Ala197Glu (NM_001322015.2); c.899C>A (NM_000535.5); short protein forms A109E, A165E, A194E, A197E, A300E.
Identifiers: ClinVar variation 1171046 (VCV001171046.4), dbSNP rs1554300702, ClinGen allele CA366743403.
Genomic context (GRCh38, chr7:5,995,538, plus strand): 5'-ATCAATTAAAAGTCAAAGGCATAAAGAACAAACTAACACAAAAAAATTTTAAATACCTTT[G>T]CTGGGTCACAAGGCCGCCGGTTGATAAAGAAAAACTGTCTGTCTGTTGAACTCCTTCCAA-3'
Protein context (NP_000526.2, residues 290-310): FFINRRPCDP[Ala300Glu]KVCRLVNEVY